The following is an entry in ClinVar:

NM_022041.4(GAN):c.1040A>G (p.Tyr347Cys)

Gene: GAN (gigaxonin; plus strand). Cytogenetic location: 16q23.2.
Variant type: single nucleotide variant.
Coding change: c.1040A>G on transcript NM_022041.4 (MANE Select); coding-DNA position 1040, A replaced by G.
Protein change: p.Tyr347Cys; replaces tyrosine 347 with cysteine.
Molecular consequence: missense variant.
Genome position (GRCh38, 1-based): chr16:81,362,565, A>G. VCF-style: chr16-81362565-A-G. GRCh37 (hg19) VCF-style: chr16-81396170-A-G.
Other names: p.Tyr347Cys; c.401A>G, p.Tyr134Cys (NM_001377486.1); short protein forms Y134C, Y347C.
Identifiers: ClinVar variation 3767269 (VCV003767269.2).

ClinVar aggregate classification (germline): Likely pathogenic (1 of 4 stars; one submission).

Conditions:
Giant axonal neuropathy 1 (GAN1). Also called: GIANT AXONAL NEUROPATHY 1, AUTOSOMAL RECESSIVE; GAN-Related Neurodegeneration. Identifiers: Orphanet 643, MedGen C1850386, MONDO:0009749, OMIM 256850.

gnomAD v4.1: 2 of 1,608,350 alleles (0.00012%); highest among the groups gnomAD compares: Non-Finnish European, 0.00017%; no homozygotes.

Submission:

Medical Genetics, Christian Medical College
Classification: Likely pathogenic for Giant axonal neuropathy 1. Review status: criteria provided, single submitter. Criteria: ACMG Guidelines, 2015. Collection method: clinical testing. Allele origin: germline. Inheritance: Autosomal recessive inheritance. Affected: yes. Observed: 1 homozygote.
Comment: The p.Tyr347Cys variant has not been reported in the 1000 genomes and gnomAD databases. The in silico predictions# of the variant are probably damaging by PolyPhen-2(HumDiv), damaging by SIFT and LRT. The reference codon is conserved across species. Phenotype correlation with genotype.